The following is an entry in ClinVar:

NM_006231.4(POLE):c.6070C>T (p.Pro2024Ser)

Gene: POLE (DNA polymerase epsilon, catalytic subunit; minus strand). Cytogenetic location: 12q24.33.
Variant type: single nucleotide variant.
Coding change: c.6070C>T on transcript NM_006231.4 (MANE Select); coding-DNA position 6070, C replaced by T.
Protein change: p.Pro2024Ser; replaces proline 2024 with serine.
Molecular consequence: missense variant.
Genome position (GRCh38, 1-based): chr12:132,632,730, G>A on the plus strand (C>T on the coding strand, the complement: POLE is on the minus strand). VCF-style: chr12-132632730-G-A. GRCh37 (hg19) VCF-style: chr12-133209316-G-A.
Other names: c.6070C>T (NM_006231.2); short protein forms P2024S.
Identifiers: ClinVar variation 1412122 (VCV001412122.7), dbSNP rs778855135, ClinGen allele CA387370628.

ClinVar aggregate classification (germline): Uncertain significance. Review status: criteria provided, multiple submitters, no conflicts (2 of 4 stars). 2 submissions from 2 submitters: Uncertain significance (2). Last evaluated 2025-09-29.

Conditions:
Hereditary cancer-predisposing syndrome. Also called: Hereditary Cancer Syndrome; Tumor predisposition; Hereditary neoplastic syndrome; Neoplastic Syndromes, Hereditary. Identifiers: Orphanet 140162, MedGen C0027672, MeSH D009386, MONDO:0015356.

Submissions (2):

Labcorp Genetics (formerly Invitae), Labcorp
Classification: Uncertain significance. Last evaluated: 2025-09-29. Review status: criteria provided, single submitter. Criteria: Invitae Variant Classification Sherloc (09022015). Collection method: clinical testing. Allele origin: germline.
Comment: This sequence change replaces proline, which is neutral and non-polar, with serine, which is neutral and polar, at codon 2024 of the POLE protein (p.Pro2024Ser). This variant is not present in population databases (gnomAD no frequency). This variant has not been reported in the literature in individuals affected with POLE-related conditions. ClinVar contains an entry for this variant (Variation ID: 1412122). An algorithm developed to predict the effect of missense changes on protein structure and function (PolyPhen-2) suggests that this variant is likely to be tolerated. In summary, the available evidence is currently insufficient to determine the role of this variant in disease. Therefore, it has been classified as a Variant of Uncertain Significance.

Ambry Genetics
Classification: Uncertain significance for Hereditary cancer-predisposing syndrome. Last evaluated: 2023-05-14. Review status: criteria provided, single submitter. Criteria: Ambry Variant Classification Scheme 2023. Collection method: clinical testing. Allele origin: germline.
Comment: The p.P2024S variant (also known as c.6070C>T), located in coding exon 44 of the POLE gene, results from a C to T substitution at nucleotide position 6070. The proline at codon 2024 is replaced by serine, an amino acid with similar properties. This amino acid position is conserved. In addition, the in silico prediction for this alteration is inconclusive. Since supporting evidence is limited at this time, the clinical significance of this alteration remains unclear.